The following is an entry in ClinVar:

ClinVar aggregate classification (germline): Uncertain significance (1 of 4 stars; one submission).

Conditions:
Infantile spasms. Also called: Infantile spasm. Identifiers: MedGen C3887898, HP:0012469.

Submission:

Labcorp Genetics (formerly Invitae), Labcorp
Classification: Uncertain significance for Infantile spasms. Last evaluated: 2024-06-03. Review status: criteria provided, single submitter. Criteria: Invitae Variant Classification Sherloc (09022015). Collection method: clinical testing. Allele origin: germline.
Comment: This sequence change creates a premature translational stop signal (p.Ser667Ilefs*29) in the PIK3AP1 gene. It is expected to result in an absent or disrupted protein product. However, the current clinical and genetic evidence is not sufficient to establish whether loss-of-function variants in PIK3AP1 cause disease. This variant is not present in population databases (gnomAD no frequency). This variant has not been reported in the literature in individuals affected with PIK3AP1-related conditions. ClinVar contains an entry for this variant (Variation ID: 642150). In summary, the available evidence is currently insufficient to determine the role of this variant in disease. Therefore, it has been classified as a Variant of Uncertain Significance.

NM_152309.3(PIK3AP1):c.1998dup (p.Ser667fs)

Gene: PIK3AP1 (phosphoinositide-3-kinase adaptor protein 1; minus strand). Cytogenetic location: 10q24.1.
Variant type: Duplication.
Coding change: c.1998dup on transcript NM_152309.3 (MANE Select); coding-DNA position 1998, one base duplicated (A; older notation c.1998dupA).
Protein change: p.Ser667fs; shifts the reading frame from serine 667.
Molecular consequence: frameshift variant.
Genome position (GRCh38, 1-based): chr10:96,616,655, T duplicated on the plus strand (A on the coding strand, the reverse complement: PIK3AP1 is on the minus strand); the first of 5 consecutive T bases (chr10:96,616,655-96,616,659); duplicating any one gives the same sequence. VCF-style (leftmost placement, unchanged base first): chr10-96616654-A-AT. GRCh37 (hg19) VCF-style: chr10-98376411-A-AT.
Other names: short protein forms S667fs.
Identifiers: ClinVar variation 642150 (VCV000642150.6), dbSNP rs1589490109, ClinGen allele CA915947522.